The following is an entry in ClinVar:

ClinVar aggregate classification (germline): Benign/Likely benign. Review status: criteria provided, multiple submitters, no conflicts (2 of 4 stars). 5 submissions from 5 submitters: Benign (3); Likely benign (1). 1 of the submissions does not count toward it. Last evaluated 2026-01-19.

Conditions:
Age related macular degeneration 1 (ARMD1). Also called: MACULOPATHY, AGE-RELATED, 1. Identifiers: MedGen C1864205, MONDO:0011285, OMIM 603075.
HMCN1-related disorder. Also called: HMCN1-related condition.

Allele frequency attached by ClinVar (database versions not stated): gnomAD exomes 0.00114 and 0.00042; ExAC 0.00134; gnomAD 0.00382 and 0.00404; 1000 Genomes Project 30x 0.00437; 1000 Genomes Project 0.00439; TOPMed 0.00481; ESP Exome Variant Server 0.00492.
gnomAD v4.1: 1,220 of 1,613,850 alleles (0.076%); highest among the groups gnomAD compares: African/African-American, 1.3%; 6 homozygotes.

Submissions (5):

Labcorp Genetics (formerly Invitae), Labcorp
Classification: Benign. Last evaluated: 2026-01-19. Review status: criteria provided, single submitter. Criteria: Invitae Variant Classification Sherloc (09022015). Collection method: clinical testing. Allele origin: germline.

Blueprint Genetics
Classification: Likely benign. Last evaluated: 2024-11-14. Review status: criteria provided, single submitter. Criteria: ACMG Guidelines, 2015. Collection method: clinical testing. Allele origin: germline.

Genome-Nilou Lab
Classification: Benign for Age related macular degeneration 1. Last evaluated: 2023-04-11. Review status: criteria provided, single submitter. Criteria: ACMG Guidelines, 2015. Collection method: clinical testing. Allele origin: germline. Affected: no.

Illumina Laboratory Services, Illumina
Classification: Benign for Age related macular degeneration 1. Last evaluated: 2018-01-13. Review status: criteria provided, single submitter. Criteria: ICSL Variant Classification Criteria 13 December 2019. Collection method: clinical testing. Allele origin: germline.
Comment: This variant was observed in the ICSL laboratory as part of a predisposition screen in an ostensibly healthy population. It had not been previously curated by ICSL or reported in the Human Gene Mutation Database (HGMD: prior to June 1st, 2018), and was therefore a candidate for classification through an automated scoring system. Utilizing variant allele frequency, disease prevalence and penetrance estimates, and inheritance mode, an automated score was calculated to assess if this variant is too frequent to cause the disease. Based on the score and internal cut-off values, a variant classified as benign is not then subjected to further curation. The score for this variant resulted in a classification of benign for this disease.

PreventionGenetics, part of Exact Sciences
Classification: Benign for HMCN1-related condition. Last evaluated: 2019-05-30. Review status: no assertion criteria provided. Collection method: clinical testing. Allele origin: germline. Not counted in ClinVar's aggregate classification.
Comment: This variant is classified as benign based on ACMG/AMP sequence variant interpretation guidelines (Richards et al. 2015 PMID: 25741868, with internal and published modifications).

NM_031935.3(HMCN1):c.8094G>A (p.Ala2698=)

Gene: HMCN1 (hemicentin 1; plus strand). Cytogenetic location: 1q31.1.
Variant type: single nucleotide variant.
Coding change: c.8094G>A on transcript NM_031935.3 (MANE Select); coding-DNA position 8094, G replaced by A.
Protein change: p.Ala2698=; no amino-acid change (alanine 2698 retained).
Molecular consequence: synonymous variant.
Genome position (GRCh38, 1-based): chr1:186,070,712, G>A. VCF-style: chr1-186070712-G-A. GRCh37 (hg19) VCF-style: chr1-186039844-G-A.
Identifiers: ClinVar variation 294193 (VCV000294193.17), dbSNP rs143866315, ClinGen allele CA1293024.